The following is an entry in ClinVar:

NM_001029.5(RPS26):c.317C>G (p.Ala106Gly)

Gene: RPS26 (ribosomal protein S26; plus strand). Cytogenetic location: 12q13.2.
Variant type: single nucleotide variant.
Coding change: c.317C>G on transcript NM_001029.5 (MANE Select); coding-DNA position 317, C replaced by G.
Protein change: p.Ala106Gly; replaces alanine 106 with glycine.
Molecular consequence: missense variant.
Genome position (GRCh38, 1-based): chr12:56,044,123, C>G. VCF-style: chr12-56044123-C-G. GRCh37 (hg19) VCF-style: chr12-56437907-C-G.
Other names: short protein forms A106G.
Identifiers: ClinVar variation 2122747 (VCV002122747.4), dbSNP rs2540724157, ClinGen allele CA385327673.
Genomic context (GRCh38, chr12:56,044,123, plus strand): 5'-AAGGGAGTCTTGGATCCATGGGTTTTAATTTACTCTTTTGTTTCTTTGTCTTTCAGGGTG[C>G]TGCCCCACGTCCCCCACCAAAGCCCATGTAAGGAGCTGAGTTCTTAAAGACTGAAGACAG-3'
Protein context (NP_001020.2, residues 96-115): TPPPRFRPAG[Ala106Gly]APRPPPKPM

ClinVar aggregate classification (germline): Uncertain significance (1 of 4 stars; one submission).

Conditions:
Diamond-Blackfan anemia 10 (DBA10). Also called: RPS26-Related Diamond-Blackfan Anemia. Identifiers: Orphanet 124, MedGen C2750080, MONDO:0013217, OMIM 613309.

Submission:

Labcorp Genetics (formerly Invitae), Labcorp
Classification: Uncertain significance for Diamond-Blackfan anemia 10. Last evaluated: 2022-04-07. Review status: criteria provided, single submitter. Criteria: Invitae Variant Classification Sherloc (09022015). Collection method: clinical testing. Allele origin: germline.
Comment: This sequence change replaces alanine, which is neutral and non-polar, with glycine, which is neutral and non-polar, at codon 106 of the RPS26 protein (p.Ala106Gly). This variant is not present in population databases (gnomAD no frequency). This variant has not been reported in the literature in individuals affected with RPS26-related conditions. Algorithms developed to predict the effect of missense changes on protein structure and function are either unavailable or do not agree on the potential impact of this missense change (SIFT: "Tolerated"; PolyPhen-2: "Not Available"; Align-GVGD: "Class C0"). In summary, the available evidence is currently insufficient to determine the role of this variant in disease. Therefore, it has been classified as a Variant of Uncertain Significance.